The following is an entry in ClinVar:

NM_005228.5(EGFR):c.610G>A (p.Glu204Lys)

Gene: EGFR (epidermal growth factor receptor; plus strand). Cytogenetic location: 7p11.2.
Variant type: single nucleotide variant.
Coding change: c.610G>A on transcript NM_005228.5 (MANE Select); coding-DNA position 610, G replaced by A.
Protein change: p.Glu204Lys; replaces glutamic acid 204 with lysine.
Molecular consequence: missense variant. On other transcripts: intron variant (1).
Genome position (GRCh38, 1-based): chr7:55,151,344, G>A. VCF-style: chr7-55151344-G-A. GRCh37 (hg19) VCF-style: chr7-55219037-G-A.
Other names: c.475G>A, p.Glu159Lys (NM_001346897.2, NM_001346899.2); c.610G>A, p.Glu204Lys (NM_001346898.2, NM_201282.2, NM_201283.2 and 1 more transcripts); c.451G>A, p.Glu151Lys (NM_001346900.2); c.89-4486G>A (NM_001346941.2); short protein forms E204K, E159K, E151K.
Identifiers: ClinVar variation 860485 (VCV000860485.10), dbSNP rs767829342, ClinGen allele CA4265273.
Genomic context (GRCh38, chr7:55,151,344, plus strand): 5'-TACATTTCAGGCCAAAAGTGTGATCCAAGCTGTCCCAATGGGAGCTGCTGGGGTGCAGGA[G>A]AGGAGAACTGCCAGAAACGTAAGTCAGTGAACAGCCTCAGACCCATGTGTGACCGCCCCT-3'
Protein context (NP_005219.2, residues 194-214): CPNGSCWGAG[Glu204Lys]ENCQKLTKII

ClinVar aggregate classification (germline): Conflicting classifications of pathogenicity. Review status: criteria provided, conflicting classifications (1 of 4 stars). 2 submissions from 2 submitters: Uncertain significance (1); Likely benign (1). Last evaluated 2025-08-24.

Conditions:
Hereditary cancer-predisposing syndrome. Also called: Tumor predisposition; Hereditary neoplastic syndrome; Neoplastic Syndromes, Hereditary; Hereditary Cancer Syndrome. Identifiers: Orphanet 140162, MedGen C0027672, MeSH D009386, MONDO:0015356.
EGFR-related lung cancer (EGFR). Identifiers: MedGen CN130014.

Allele frequency attached by ClinVar (database versions not stated): gnomAD exomes below 0.00001 and 0.00002; ExAC 0.00001; gnomAD 0.00001.
gnomAD v4.1: 6 of 1,614,106 alleles (0.00037%); highest among the groups gnomAD compares: South Asian, 0.0022%; no homozygotes.

Submissions (2):

Labcorp Genetics (formerly Invitae), Labcorp
Classification: Uncertain significance for EGFR-related lung cancer. Last evaluated: 2025-08-24. Review status: criteria provided, single submitter. Criteria: Invitae Variant Classification Sherloc (09022015). Collection method: clinical testing. Allele origin: germline.
Comment: This sequence change replaces glutamic acid, which is acidic and polar, with lysine, which is basic and polar, at codon 204 of the EGFR protein (p.Glu204Lys). This variant is present in population databases (rs767829342, gnomAD 0.009%). This missense change has been observed in individual(s) with adrenocortical carcinoma (PMID: 33326033). ClinVar contains an entry for this variant (Variation ID: 860485). Invitae Evidence Modeling of protein sequence and biophysical properties (such as structural, functional, and spatial information, amino acid conservation, physicochemical variation, residue mobility, and thermodynamic stability) indicates that this missense variant is not expected to disrupt EGFR protein function with a negative predictive value of 80%. In summary, the available evidence is currently insufficient to determine the role of this variant in disease. Therefore, it has been classified as a Variant of Uncertain Significance.

Ambry Genetics
Classification: Likely benign for Hereditary cancer-predisposing syndrome. Last evaluated: 2024-10-17. Review status: criteria provided, single submitter. Criteria: Ambry Variant Classification Scheme 2023. Collection method: clinical testing. Allele origin: germline.

Literature cited by the submitters: PubMed 33326033 (cited by Labcorp Genetics (formerly Invitae), Labcorp).